The following is an entry in ClinVar:

NM_000451.4(SHOX):c.379G>T (p.Glu127Ter)

Genes: SHOX (SHOX homeobox; plus strand), LOC107652445 (meiotic recombination hotspot SHOX; plus strand). Cytogenetic location: Yp11.2.
Variant type: single nucleotide variant.
Coding change: c.379G>T on transcript NM_000451.4 (MANE Select); coding-DNA position 379, G replaced by T.
Protein change: p.Glu127Ter; replaces glutamic acid 127 with a stop codon.
Molecular consequence: nonsense.
Genome position (GRCh38, 1-based): chrX:634,719, G>T. VCF-style: chrX-634719-G-T. GRCh37 (hg19) VCF-style: chrX-595454-G-T.
Other names: c.379G>T, p.Glu127Ter (NM_006883.2); short protein forms E127*.
Identifiers: ClinVar variation 3601963 (VCV003601963.1).
Genomic context (GRCh38, chrX:634,719, plus strand): 5'-GAGGACGAGGACGGGCAGACCAAGCTGAAACAGAGGCGCAGCCGCACCAACTTCACGCTG[G>T]AGCAGCTGAACGAGCTCGAGCGACTCTTCGACGAGACCCATTACCCCGACGCCTTCATGC-3'

ClinVar aggregate classification (germline): Likely pathogenic (1 of 4 stars; one submission).

Conditions:
Leri-Weill dyschondrosteosis (LWD). Also called: Léri-Weill dyschondrosteosis; DYSCHONDROSTEOSIS; Leri-Weill Dyschondrosteosis (LWD). Identifiers: Orphanet 240, MedGen C0265309, MONDO:0007481, OMIM 127300.

Submission:

MVZ Dr. Eberhard & Partner Dortmund
Classification: Likely pathogenic for Leri-Weill dyschondrosteosis. Last evaluated: 2025-01-29. Review status: criteria provided, single submitter. Criteria: ACMG Guidelines, 2015. Collection method: clinical testing. Allele origin: unknown. Affected: yes. Observed: 1 heterozygote.
Comment: The nonsense variant c.379G>T for p.(Glu127*) in SHOX has not yet been mentioned in the literature and is not found in reference populations of different ethnicities. The variant leads to a premature stop codon, therefore a loss of function (LOF) due to a nonsense-mediated mRNA decay (NMD) or a truncated protein can be assumed. Overall, we rate c.379G>T for p.(Glu127*) as a likely pathogenic variant based on the current data and the ACMG criteria.